The following is an entry in ClinVar:

ClinVar aggregate classification (germline): Uncertain significance (1 of 4 stars; one submission).

Allele frequency attached by ClinVar (database versions not stated): gnomAD 0.00001.

Submission:

Labcorp Genetics (formerly Invitae), Labcorp
Classification: Uncertain significance. Last evaluated: 2020-11-16. Review status: criteria provided, single submitter. Criteria: Invitae Variant Classification Sherloc (09022015). Collection method: clinical testing. Allele origin: germline.
Comment: In summary, the available evidence is currently insufficient to determine the role of this variant in disease. Therefore, it has been classified as a Variant of Uncertain Significance. Algorithms developed to predict the effect of missense changes on protein structure and function (SIFT, PolyPhen-2, Align-GVGD) all suggest that this variant is likely to be tolerated, but these predictions have not been confirmed by published functional studies and their clinical significance is uncertain. This variant has not been reported in the literature in individuals with PAX1-related conditions. The frequency data for this variant in the population databases is considered unreliable, as metrics indicate insufficient coverage at this position in the ExAC database. This sequence change replaces arginine with histidine at codon 36 of the PAX1 protein (p.Arg36His). The arginine residue is weakly conserved and there is a small physicochemical difference between arginine and histidine.

NM_001257096.2(PAX1):c.107G>A (p.Arg36His)

Gene: PAX1 (paired box 1; plus strand). Cytogenetic location: 20p11.22.
Variant type: single nucleotide variant.
Coding change: c.107G>A on transcript NM_001257096.2 (MANE Select); coding-DNA position 107, G replaced by A.
Protein change: p.Arg36His; replaces arginine 36 with histidine.
Molecular consequence: missense variant.
Genome position (GRCh38, 1-based): chr20:21,705,819, G>A. VCF-style: chr20-21705819-G-A. GRCh37 (hg19) VCF-style: chr20-21686457-G-A.
Other names: c.107G>A, p.Arg36His (NM_006192.5); short protein forms R36H.
Identifiers: ClinVar variation 1485639 (VCV001485639.6), dbSNP rs1355680081, ClinGen allele CA408496879.